The following is an entry in ClinVar:

NM_014319.5(LEMD3):c.2595T>G (p.Tyr865Ter)

Gene: LEMD3 (LEM domain containing 3; plus strand). Cytogenetic location: 12q14.3.
Variant type: single nucleotide variant.
Coding change: c.2595T>G on transcript NM_014319.5 (MANE Select); coding-DNA position 2595, T replaced by G.
Protein change: p.Tyr865Ter; replaces tyrosine 865 with a stop codon.
Molecular consequence: nonsense.
Genome position (GRCh38, 1-based): chr12:65,246,184, T>G. VCF-style: chr12-65246184-T-G. GRCh37 (hg19) VCF-style: chr12-65639964-T-G.
Other names: c.2592T>G, p.Tyr864Ter (NM_001167614.2); short protein forms Y865*, Y864*.
Identifiers: ClinVar variation 2748553 (VCV002748553.3), dbSNP rs1402616233, ClinGen allele CA385676431.

ClinVar aggregate classification (germline): Pathogenic (1 of 4 stars; one submission).

Submission:

Labcorp Genetics (formerly Invitae), Labcorp
Classification: Pathogenic. Last evaluated: 2023-07-30. Review status: criteria provided, single submitter. Criteria: Invitae Variant Classification Sherloc (09022015). Collection method: clinical testing. Allele origin: germline.
Comment: For these reasons, this variant has been classified as Pathogenic. This variant disrupts a region of the LEMD3 protein in which other variant(s) (p.Tyr871*) have been determined to be pathogenic (PMID: 26694706). This suggests that this is a clinically significant region of the protein, and that variants that disrupt it are likely to be disease-causing. This variant has not been reported in the literature in individuals affected with LEMD3-related conditions. This variant is not present in population databases (gnomAD no frequency). This sequence change creates a premature translational stop signal (p.Tyr865*) in the LEMD3 gene. While this is not anticipated to result in nonsense mediated decay, it is expected to disrupt the last 47 amino acid(s) of the LEMD3 protein.

Literature cited by the submitters: PubMed 26694706.